The following is an entry in ClinVar:

ClinVar aggregate classification (germline): Likely benign (1 of 4 stars; one submission).

Submission:

CeGaT Center for Human Genetics Tuebingen
Classification: Likely benign. Last evaluated: 2025-12-01. Review status: criteria provided, single submitter. Criteria: CeGaT Center For Human Genetics Tuebingen Variant Classification Criteria Version 2. Collection method: clinical testing. Allele origin: germline. Affected: yes. Observed: 1 variant allele.
Comment: CDC42BPB: BP4, BP7

NM_006035.4(CDC42BPB):c.4449C>T (p.Gly1483=)

Gene: CDC42BPB (CDC42 binding protein kinase beta; minus strand). Cytogenetic location: 14q32.32.
Variant type: single nucleotide variant.
Coding change: c.4449C>T on transcript NM_006035.4 (MANE Select); coding-DNA position 4449, C replaced by T.
Protein change: p.Gly1483=; no amino-acid change (glycine 1483 retained).
Molecular consequence: synonymous variant.
Genome position (GRCh38, 1-based): chr14:102,940,284, G>A on the plus strand (C>T on the coding strand, the complement: CDC42BPB is on the minus strand). VCF-style: chr14-102940284-G-A. GRCh37 (hg19) VCF-style: chr14-103406621-G-A.
Other names: c.4371C>T, p.Gly1457= (NM_001411054.1).
Identifiers: ClinVar variation 4681389 (VCV004681389.5).
Genomic context (GRCh38, chr14:102,940,284, plus strand): 5'-TACCCTCCGCAGGCCGATGGTCTGCACCCACTCCATGGTGCGCACATCAAAGACGTCCAC[G>A]CCATACTCGCTGTACACCGTGACGTGGGTGGGGCTGCAACCTAGCGCAGACGGAGCAGGG-3'
Protein context (NP_006026.3, residues 1473-1493): PTHVTVYSEY[Gly1483=]VDVFDVRTME